The following is an entry in ClinVar:

NM_198253.3(TERT):c.2185A>G (p.Ile729Val)

Gene: TERT (telomerase reverse transcriptase; minus strand). Cytogenetic location: 5p15.33.
Variant type: single nucleotide variant.
Coding change: c.2185A>G on transcript NM_198253.3 (MANE Select); coding-DNA position 2185, A replaced by G.
Protein change: p.Ile729Val; replaces isoleucine 729 with valine.
Molecular consequence: missense variant. On other transcripts: non-coding transcript variant (2).
Genome position (GRCh38, 1-based): chr5:1,278,742, T>C on the plus strand (A>G on the coding strand, the complement: TERT is on the minus strand). VCF-style: chr5-1278742-T-C. GRCh37 (hg19) VCF-style: chr5-1278857-T-C.
Other names: c.2185A>G, p.Ile729Val (NM_001193376.3); short protein forms I729V.
Identifiers: ClinVar variation 471855 (VCV000471855.13), dbSNP rs753929279, ClinGen allele CA3184631.

ClinVar aggregate classification (germline): Conflicting classifications of pathogenicity. Review status: criteria provided, conflicting classifications (1 of 4 stars). 4 submissions from 4 submitters: Uncertain significance (3); Likely benign (1). Last evaluated 2025-09-21.

Conditions:
Idiopathic Pulmonary Fibrosis. Also called: Idiopathic fibrosing alveolitis, chronic form; idiopathic fibrosing alveolitis. Identifiers: Orphanet 2032, MedGen C1800706, MeSH D054990, MONDO:0800504.
Dyskeratosis congenita, autosomal dominant 2. Identifiers: MedGen C3151443, MONDO:0013521, OMIM 613989.
TERT-related disorder. Also called: TERT-related disorders; TERT-related condition.
Dyskeratosis congenita. Identifiers: Orphanet 1775, MedGen C0265965, MONDO:0015780.

Allele frequency attached by ClinVar (database versions not stated): TOPMed below 0.00001; gnomAD 0.00001; gnomAD exomes 0.00001 and 0.00002; ExAC 0.00002.
gnomAD v4.1: 20 of 1,614,058 alleles (0.0012%); highest among the groups gnomAD compares: Non-Finnish European, 0.0017%; no homozygotes.

Submissions (4):

Labcorp Genetics (formerly Invitae), Labcorp
Classification: Uncertain significance for Dyskeratosis congenita, autosomal dominant 2; Idiopathic Pulmonary Fibrosis. Last evaluated: 2025-09-21. Review status: criteria provided, single submitter. Criteria: Invitae Variant Classification Sherloc (09022015). Collection method: clinical testing. Allele origin: germline.
Comment: This sequence change replaces isoleucine, which is neutral and non-polar, with valine, which is neutral and non-polar, at codon 729 of the TERT protein (p.Ile729Val). This variant is present in population databases (rs753929279, gnomAD 0.004%). This variant has not been reported in the literature in individuals affected with TERT-related conditions. ClinVar contains an entry for this variant (Variation ID: 471855). Invitae Evidence Modeling of protein sequence and biophysical properties (such as structural, functional, and spatial information, amino acid conservation, physicochemical variation, residue mobility, and thermodynamic stability) indicates that this missense variant is not expected to disrupt TERT protein function with a negative predictive value of 95%. In summary, the available evidence is currently insufficient to determine the role of this variant in disease. Therefore, it has been classified as a Variant of Uncertain Significance.

PreventionGenetics, part of Exact Sciences
Classification: Uncertain significance for TERT-related condition. Last evaluated: 2023-07-03. Review status: criteria provided, single submitter. Criteria: ACMG Guidelines, 2015. Collection method: clinical testing. Allele origin: germline.
Comment: The TERT c.2185A>G variant is predicted to result in the amino acid substitution p.Ile729Val. To our knowledge, this variant has not been reported in the literature. This variant is reported in 0.0053% of alleles in individuals of European (Non-Finnish) descent in gnomAD. It is reported in ClinVar with conflicting interpretations of uncertain and likely benign. At this time, the clinical significance of this variant is uncertain due to the absence of conclusive functional and genetic evidence.

GeneDx
Classification: Uncertain significance. Last evaluated: 2022-11-16. Review status: criteria provided, single submitter. Criteria: GeneDx Variant Classification Process June 2021. Collection method: clinical testing. Allele origin: germline. Affected: yes.
Comment: In silico analysis supports that this missense variant does not alter protein structure/function; Has not been previously published as pathogenic or benign to our knowledge

Ambry Genetics
Classification: Likely benign for Dyskeratosis congenita. Last evaluated: 2022-02-07. Review status: criteria provided, single submitter. Criteria: Ambry Variant Classification Scheme 2023. Collection method: clinical testing. Allele origin: germline.